The following is an entry in ClinVar:

ClinVar aggregate classification (germline): Likely benign. Review status: criteria provided, single submitter (1 of 4 stars). 2 submissions from 2 submitters: Likely benign (1). 1 of the submissions does not count toward it. Last evaluated 2026-05-01.

Conditions:
PAX7-related disorder. Also called: PAX7-related condition.

Allele frequency attached by ClinVar (database versions not stated): gnomAD 0.00007.
gnomAD v4.1: 108 of 1,613,908 alleles (0.0067%); highest among the groups gnomAD compares: Non-Finnish European, 0.008%; 1 homozygote.

Submissions (2):

CeGaT Center for Human Genetics Tuebingen
Classification: Likely benign. Last evaluated: 2026-05-01. Review status: criteria provided, single submitter. Criteria: CeGaT Center For Human Genetics Tuebingen Variant Classification Criteria Version 2. Collection method: clinical testing. Allele origin: germline. Affected: yes. Observed: 1 variant allele.
Comment: PAX7: BP4, BP7

PreventionGenetics, part of Exact Sciences
Classification: Likely benign for PAX7-related condition. Last evaluated: 2024-02-22. Review status: no assertion criteria provided. Collection method: clinical testing. Allele origin: germline. Not counted in ClinVar's aggregate classification.
Comment: This variant is classified as likely benign based on ACMG/AMP sequence variant interpretation guidelines (Richards et al. 2015 PMID: 25741868, with internal and published modifications).

NM_001135254.2(PAX7):c.1402+29C>T

Gene: PAX7 (paired box 7; plus strand). Cytogenetic location: 1p36.13.
Variant type: single nucleotide variant.
Coding change: c.1402+29C>T on transcript NM_001135254.2 (MANE Select); 29 bases into the intron after coding-DNA position 1402, C replaced by T.
Molecular consequence: intron variant. On other transcripts: synonymous variant (2).
Genome position (GRCh38, 1-based): chr1:18,735,907, C>T. VCF-style: chr1-18735907-C-T. GRCh37 (hg19) VCF-style: chr1-19062401-C-T.
Other names: c.1431C>T, p.Pro477= (NM_002584.3); c.1425C>T, p.Pro475= (NM_013945.3).
Identifiers: ClinVar variation 3054898 (VCV003054898.4), dbSNP rs762116733, ClinGen allele CA645963.